The following is an entry in ClinVar:

NM_020911.2(PLXNA4):c.3492+10G>T

Gene: PLXNA4 (plexin A4; minus strand). Cytogenetic location: 7q32.3.
Variant type: single nucleotide variant.
Coding change: c.3492+10G>T on transcript NM_020911.2 (MANE Select); 10 bases into the intron after coding-DNA position 3492, G replaced by T.
Molecular consequence: intron variant.
Genome position (GRCh38, 1-based): chr7:132,181,371, C>A on the plus strand (G>T on the coding strand, the complement: PLXNA4 is on the minus strand). VCF-style: chr7-132181371-C-A. GRCh37 (hg19) VCF-style: chr7-131866130-C-A.
Other names: c.3492+10G>T (NM_001393897.1).
Identifiers: ClinVar variation 5000706 (VCV005000706.1).

ClinVar aggregate classification (germline): Likely benign (1 of 4 stars; one submission).

Conditions:
PLXNA4-related disorder. Also called: PLXNA4-related condition.

gnomAD v4.1: 1 of 1,613,786 alleles (0.000062%); highest among the groups gnomAD compares: South Asian, 0.0011%; no homozygotes.

Submission:

PreventionGenetics, part of Exact Sciences
Classification: Likely benign for PLXNA4-related condition. Last evaluated: 2025-03-07. Review status: criteria provided, single submitter. Criteria: ACMG Guidelines, 2015. Collection method: clinical testing. Allele origin: germline.
Comment: This variant is classified as likely benign based on ACMG/AMP sequence variant interpretation guidelines (Richards et al. 2015 PMID: 25741868, with internal and published modifications).